The following is an entry in ClinVar:

NM_001267550.2(TTN):c.46565G>T (p.Gly15522Val)

Genes: TTN (titin; minus strand), TTN-AS1 (TTN antisense RNA 1; plus strand). Cytogenetic location: 2q31.2.
Variant type: single nucleotide variant.
Coding change: c.46565G>T on transcript NM_001267550.2 (MANE Select); coding-DNA position 46565, G replaced by T.
Protein change: p.Gly15522Val; replaces glycine 15522 with valine.
Molecular consequence: missense variant.
Genome position (GRCh38, 1-based): chr2:178,619,752, C>A on the plus strand (G>T on the coding strand, the complement: TTN is on the minus strand). VCF-style: chr2-178619752-C-A. GRCh37 (hg19) VCF-style: chr2-179484479-C-A.
Other names: c.41642G>T, p.Gly13881Val (NM_001256850.1); c.19370G>T, p.Gly6457Val (NM_003319.4); c.38861G>T, p.Gly12954Val (NM_133378.4); c.19745G>T, p.Gly6582Val (NM_133432.3); c.19946G>T, p.Gly6649Val (NM_133437.4); short protein forms G15522V, G6457V, G12954V, G6582V, G13881V, G6649V.
Identifiers: ClinVar variation 518972 (VCV000518972.5), dbSNP rs1246339782, ClinGen allele CA349623543.

ClinVar aggregate classification (germline): Uncertain significance (1 of 4 stars; one submission).

Conditions:
Cardiovascular phenotype. Identifiers: MedGen CN230736.

Allele frequency attached by ClinVar (database versions not stated): gnomAD exomes below 0.00001; TOPMed below 0.00001.
gnomAD v4.1: 1 of 1,612,406 alleles (0.000062%); highest among the groups gnomAD compares: South Asian, 0.0011%; no homozygotes.

Submission:

Ambry Genetics
Classification: Uncertain significance for Cardiovascular phenotype. Last evaluated: 2017-01-05. Review status: criteria provided, single submitter. Criteria: Ambry Variant Classification Scheme 2023. Collection method: clinical testing. Allele origin: germline.
Comment: The p.G6457V variant (also known as c.19370G>T), located in coding exon 77 of the TTN gene, results from a G to T substitution at nucleotide position 19370. The glycine at codon 6457 is replaced by valine, an amino acid with dissimilar properties, and is located in the I-band region of the N2-B isoform of the titin protein.. This amino acid position is highly conserved in available vertebrate species. In addition, the in silico prediction for this alteration is inconclusive. Since supporting evidence is limited at this time, the clinical significance of this alteration remains unclear.